The following is an entry in ClinVar:

ClinVar aggregate classification (germline): Uncertain significance (1 of 4 stars; one submission).

Conditions:
Hypokalemic periodic paralysis, type 1. Also called: Hypokalemic Periodic Paralysis Type 1 (AD); HypoPP. Identifiers: Orphanet 681, MedGen C3714580, MONDO:0042979, OMIM 170400.
Malignant hyperthermia, susceptibility to, 5 (MHS5). Also called: CACNA1S-Related Malignant Hyperthermia Susceptibility. Identifiers: Orphanet 423, MedGen C1866077, MONDO:0011163, OMIM 601887.

Allele frequency attached by ClinVar (database versions not stated): gnomAD exomes below 0.00001; TOPMed 0.00001.
gnomAD v4.1: 1 of 1,614,212 alleles (0.000062%); highest among the groups gnomAD compares: Non-Finnish European, 0.000085%; no homozygotes.

Submission:

Labcorp Genetics (formerly Invitae), Labcorp
Classification: Uncertain significance for Hypokalemic periodic paralysis, type 1; Malignant hyperthermia, susceptibility to, 5. Last evaluated: 2022-07-26. Review status: criteria provided, single submitter. Criteria: Invitae Variant Classification Sherloc (09022015). Collection method: clinical testing. Allele origin: germline.
Comment: This sequence change replaces phenylalanine, which is neutral and non-polar, with leucine, which is neutral and non-polar, at codon 1068 of the CACNA1S protein (p.Phe1068Leu). This variant is not present in population databases (gnomAD no frequency). This variant has not been reported in the literature in individuals affected with CACNA1S-related conditions. ClinVar contains an entry for this variant (Variation ID: 1410811). Algorithms developed to predict the effect of missense changes on protein structure and function are either unavailable or do not agree on the potential impact of this missense change (SIFT: "Deleterious"; PolyPhen-2: "Probably Damaging"; Align-GVGD: "Class C0"). In summary, the available evidence is currently insufficient to determine the role of this variant in disease. Therefore, it has been classified as a Variant of Uncertain Significance.

NM_000069.3(CACNA1S):c.3204C>G (p.Phe1068Leu)

Gene: CACNA1S (calcium voltage-gated channel subunit alpha1 S; minus strand). Cytogenetic location: 1q32.1.
Variant type: single nucleotide variant.
Coding change: c.3204C>G on transcript NM_000069.3 (MANE Select); coding-DNA position 3204, C replaced by G.
Protein change: p.Phe1068Leu; replaces phenylalanine 1068 with leucine.
Molecular consequence: missense variant.
Genome position (GRCh38, 1-based): chr1:201,061,318, G>C on the plus strand (C>G on the coding strand, the complement: CACNA1S is on the minus strand). VCF-style: chr1-201061318-G-C. GRCh37 (hg19) VCF-style: chr1-201030446-G-C.
Other names: short protein forms F1068L.
Identifiers: ClinVar variation 1410811 (VCV001410811.3), dbSNP rs1005780872, ClinGen allele CA36007270.